The following is an entry in ClinVar:

ClinVar aggregate classification (germline): Uncertain significance. Review status: criteria provided, multiple submitters, no conflicts (2 of 4 stars). 7 submissions from 6 submitters: Uncertain significance (7). Last evaluated 2025-06-22.

Conditions:
Cardiovascular phenotype. Identifiers: MedGen CN230736.
Hereditary cancer-predisposing syndrome. Also called: Hereditary Cancer Syndrome; Neoplastic Syndromes, Hereditary; Tumor predisposition; Hereditary neoplastic syndrome. Identifiers: Orphanet 140162, MedGen C0027672, MeSH D009386, MONDO:0015356.
Neurofibromatosis, type 1 (NF1). Also called: Neurofibromatosis, type I; VON RECKLINGHAUSEN DISEASE; NEUROFIBROMATOSIS, TYPE I, SOMATIC; Peripheral type neurofibromatosis. Identifiers: Orphanet 636, MedGen C0027831, MONDO:0018975, OMIM 162200. Disease mechanism: loss of function.
Juvenile myelomonocytic leukemia (JMML). Also called: LEUKEMIA, JUVENILE MYELOMONOCYTIC, SOMATIC. Identifiers: Orphanet 86834, MedGen C0349639, MONDO:0011908, OMIM 607785, HP:0012209.

Allele frequency attached by ClinVar (database versions not stated): gnomAD exomes below 0.00001 and 0.00001; TOPMed 0.00001; ExAC 0.00002; ESP Exome Variant Server 0.00015.
gnomAD v4.1: 5 of 1,613,636 alleles (0.00031%); highest among the groups gnomAD compares: African/African-American, 0.0013%; no homozygotes.

Submissions (7):

Labcorp Genetics (formerly Invitae), Labcorp
Classification: Uncertain significance for Neurofibromatosis, type 1. Last evaluated: 2025-06-22. Review status: criteria provided, single submitter. Criteria: Invitae Variant Classification Sherloc (09022015). Collection method: clinical testing. Allele origin: germline.
Comment: This sequence change replaces asparagine, which is neutral and polar, with serine, which is neutral and polar, at codon 67 of the NF1 protein (p.Asn67Ser). This variant is present in population databases (rs375038808, gnomAD 0.003%). This variant has not been reported in the literature in individuals affected with NF1-related conditions. ClinVar contains an entry for this variant (Variation ID: 232106). Invitae Evidence Modeling of protein sequence and biophysical properties (such as structural, functional, and spatial information, amino acid conservation, physicochemical variation, residue mobility, and thermodynamic stability) indicates that this missense variant is not expected to disrupt NF1 protein function with a negative predictive value of 95%. In summary, the available evidence is currently insufficient to determine the role of this variant in disease. Therefore, it has been classified as a Variant of Uncertain Significance.

GeneDx
Classification: Uncertain significance. Last evaluated: 2023-10-10. Review status: criteria provided, single submitter. Criteria: GeneDx Variant Classification Process June 2021. Collection method: clinical testing. Allele origin: germline. Affected: yes.
Comment: In silico analysis supports that this missense variant does not alter protein structure/function; Has not been previously published as pathogenic or benign to our knowledge

Baylor Genetics
Classification: Uncertain significance for Juvenile myelomonocytic leukemia. Last evaluated: 2023-09-29. Review status: criteria provided, single submitter. Criteria: ACMG Guidelines, 2015. Collection method: clinical testing. Allele origin: unknown.

Ambry Genetics
Classification: Uncertain significance for Cardiovascular phenotype; Hereditary cancer-predisposing syndrome. Last evaluated: 2022-06-02. Review status: criteria provided, single submitter. Criteria: Ambry Variant Classification Scheme 2023. Collection method: clinical testing. Allele origin: germline.

Genome-Nilou Lab
Classification: Uncertain significance for Neurofibromatosis, type 1. Last evaluated: 2022-03-15. Review status: criteria provided, single submitter. Criteria: ACMG Guidelines, 2015. Collection method: clinical testing. Allele origin: germline. Affected: no.

Center for Human Genetics, Inc
Classification: Uncertain significance for Neurofibromatosis, type 1. Last evaluated: 2016-11-01. Review status: criteria provided, single submitter. Criteria: ACMG Guidelines, 2015. Collection method: clinical testing. Allele origin: germline. Affected: yes.

Ambry Genetics
Classification: Uncertain significance for Hereditary cancer-predisposing syndrome. Last evaluated: 2015-06-02. Review status: criteria provided, single submitter. Criteria: Ambry Autosomal Dominant and X-Linked criteria (10/2015). Collection method: clinical testing. Allele origin: germline. Observed: 1 variant allele.
Comment: The p.N67S variant (also known as c.200A>G), located in coding exon 2 of the NF1 gene, results from an A to G substitution at nucleotide position 200. The asparagine at codon 67 is replaced by serine, an amino acid with highly similar properties. This variant was previously reported in the SNPDatabase as rs375038808. Based on data from the NHLBI Exome Sequencing Project (ESP), the G allele has an overall frequency of approximately 0.02% (2/13006) total alleles studied, having been observed in0.02% (2/8600) European American alleles.This variant was not reported in the 1000 Genomes Project population-based cohort. To date, this alteration has been detected with an allele frequency of approximately 0.002% (greater than 55000alleles tested) in our clinical cohort.This amino acid position is well conserved in available vertebrate species. In addition, this alteration is predicted to be tolerated by in silico analysis.Since supporting evidence is limited at this time, the clinical significance of p.N67Sremains unclear.

NM_001042492.3(NF1):c.200A>G (p.Asn67Ser)

Gene: NF1 (neurofibromin 1; plus strand). Cytogenetic location: 17q11.2.
Variant type: single nucleotide variant.
Coding change: c.200A>G on transcript NM_001042492.3 (MANE Select); coding-DNA position 200, A replaced by G.
Protein change: p.Asn67Ser; replaces asparagine 67 with serine.
Molecular consequence: missense variant.
Genome position (GRCh38, 1-based): chr17:31,156,122, A>G. VCF-style: chr17-31156122-A-G. GRCh37 (hg19) VCF-style: chr17-29483140-A-G.
Other names: c.200A>G, p.Asn67Ser (NM_000267.4, NM_001128147.3); short protein forms N67S.
Identifiers: ClinVar variation 232106 (VCV000232106.13), dbSNP rs375038808, ClinGen allele CA8485487.